The following is an entry in ClinVar:

ClinVar aggregate classification (germline): Uncertain significance (1 of 4 stars; one submission).

Allele frequency attached by ClinVar (database versions not stated): gnomAD exomes below 0.00001.
gnomAD v4.1: 6 of 1,614,160 alleles (0.00037%); highest among the groups gnomAD compares: Non-Finnish European, 0.00042%; no homozygotes.

Submission:

CeGaT Center for Human Genetics Tuebingen
Classification: Uncertain significance. Last evaluated: 2024-06-01. Review status: criteria provided, single submitter. Criteria: CeGaT Center For Human Genetics Tuebingen Variant Classification Criteria Version 2. Collection method: clinical testing. Allele origin: germline. Affected: yes. Observed: 1 variant allele.
Comment: NOTCH3: PM2

NM_000435.3(NOTCH3):c.3404G>C (p.Gly1135Ala)

Gene: NOTCH3 (notch receptor 3; minus strand). Cytogenetic location: 19p13.12.
Variant type: single nucleotide variant.
Coding change: c.3404G>C on transcript NM_000435.3 (MANE Select); coding-DNA position 3404, G replaced by C.
Protein change: p.Gly1135Ala; replaces glycine 1135 with alanine.
Molecular consequence: missense variant.
Genome position (GRCh38, 1-based): chr19:15,179,420, C>G on the plus strand (G>C on the coding strand, the complement: NOTCH3 is on the minus strand). VCF-style: chr19-15179420-C-G. GRCh37 (hg19) VCF-style: chr19-15290231-C-G.
Other names: short protein forms G1135A.
Identifiers: ClinVar variation 3251143 (VCV003251143.18), dbSNP rs200723425.
Genomic context (GRCh38, chr19:15,179,420, plus strand): 5'-ATACCCAGCGTTCCTGGGGGACAGGAGCAGAGATAGCGGGCCACGAGGTCAATGCATGAA[C>G]CCCCGTGCTGGCAGGGCTGGGAGGCACACTCGTCCACGTCGTCCTCACAGTTATCACCAT-3'
Protein context (NP_000426.2, residues 1125-1145): ECASQPCQHG[Gly1135Ala]SCIDLVARYL